The following is an entry in ClinVar:

NM_000059.4(BRCA2):c.7295_7296del (p.Arg2432fs)

Gene: BRCA2 (BRCA2 DNA repair associated; plus strand). Cytogenetic location: 13q13.1.
Variant type: Deletion.
Coding change: c.7295_7296del on transcript NM_000059.4 (MANE Select); coding-DNA positions 7295 to 7296, 2 bases deleted (GA; older notation c.7295_7296delGA).
Protein change: p.Arg2432fs; shifts the reading frame from arginine 2432.
Molecular consequence: frameshift variant. On other transcripts: non-coding transcript variant (1).
Genome position (GRCh38, 1-based): chr13:32,355,148-32,355,149, GA deleted; deleting any 2 consecutive bases within chr13:32,355,147-32,355,149 gives the same sequence; the c. name uses the placement nearest the transcript's 3' end. VCF-style (leftmost placement, unchanged base first): chr13-32355146-CAG-C. GRCh37 (hg19) VCF-style: chr13-32929283-CAG-C.
Other names: c.7199_7200del, p.Arg2400fs (NM_001406719.1); c.7295_7296del, p.Arg2432fs (NM_001406720.1); c.2363_2364del, p.Arg788fs (NM_001406721.1); c.878_879del, p.Arg293fs (NM_001406722.1); short protein forms R2400fs, R2432fs, R293fs, R788fs.
Identifiers: ClinVar variation 3228339 (VCV003228339.1), dbSNP rs2548540465, ClinGen allele CA2825002137.

ClinVar aggregate classification (germline): Pathogenic (1 of 4 stars; one submission).

Conditions:
Hereditary cancer-predisposing syndrome. Also called: Neoplastic Syndromes, Hereditary; Tumor predisposition; Hereditary neoplastic syndrome; Hereditary Cancer Syndrome. Identifiers: Orphanet 140162, MedGen C0027672, MeSH D009386, MONDO:0015356.

Submission:

Ambry Genetics
Classification: Pathogenic for Hereditary cancer-predisposing syndrome. Last evaluated: 2024-03-06. Review status: criteria provided, single submitter. Criteria: Ambry Variant Classification Scheme 2023. Collection method: clinical testing. Allele origin: germline.
Comment: The c.7295_7296delGA pathogenic mutation, located in coding exon 13 of the BRCA2 gene, results from a deletion of two nucleotides at nucleotide positions 7295 to 7296, causing a translational frameshift with a predicted alternate stop codon (p.R2432Tfs*6). This alteration is expected to result in loss of function by premature protein truncation or nonsense-mediated mRNA decay. As such, this alteration is interpreted as a disease-causing mutation.